The following is an entry in ClinVar:

NM_020944.3(GBA2):c.1073C>T (p.Thr358Met)

Gene: GBA2 (glucosylceramidase beta 2; minus strand). Cytogenetic location: 9p13.3.
Variant type: single nucleotide variant.
Coding change: c.1073C>T on transcript NM_020944.3 (MANE Select); coding-DNA position 1073, C replaced by T.
Protein change: p.Thr358Met; replaces threonine 358 with methionine.
Molecular consequence: missense variant.
Genome position (GRCh38, 1-based): chr9:35,740,582, G>A on the plus strand (C>T on the coding strand, the complement: GBA2 is on the minus strand). VCF-style: chr9-35740582-G-A. GRCh37 (hg19) VCF-style: chr9-35740579-G-A.
Other names: c.1073C>T, p.Thr358Met (NM_001330660.2); short protein forms T358M.
Identifiers: ClinVar variation 582843 (VCV000582843.7), dbSNP rs372699319, ClinGen allele CA5050526.

ClinVar aggregate classification (germline): Uncertain significance. Review status: criteria provided, multiple submitters, no conflicts (2 of 4 stars). 2 submissions from 2 submitters: Uncertain significance (2). Last evaluated 2025-07-12.

Conditions:
Inborn genetic diseases. Identifiers: MedGen C0950123, MeSH D030342.
Spastic paraplegia. Identifiers: MedGen C0037772, HP:0001258.

Allele frequency attached by ClinVar (database versions not stated): gnomAD 0.00001; gnomAD exomes 0.00001 and 0.00002; ExAC 0.00002; TOPMed 0.00002; ESP Exome Variant Server 0.00008.

Submissions (2):

Ambry Genetics
Classification: Uncertain significance for Inborn genetic diseases. Last evaluated: 2025-07-12. Review status: criteria provided, single submitter. Criteria: Ambry Variant Classification Scheme 2023. Collection method: clinical testing. Allele origin: germline.

Labcorp Genetics (formerly Invitae), Labcorp
Classification: Uncertain significance for Spastic paraplegia. Last evaluated: 2018-06-20. Review status: criteria provided, single submitter. Criteria: Invitae Variant Classification Sherloc (09022015). Collection method: clinical testing. Allele origin: germline.
Comment: In summary, the available evidence is currently insufficient to determine the role of this variant in disease. Therefore, it has been classified as a Variant of Uncertain Significance. Algorithms developed to predict the effect of missense changes on protein structure and function are either unavailable or do not agree on the potential impact of this missense change (SIFT: "Deleterious"; PolyPhen-2: "Benign"; Align-GVGD: "Class C0"). This variant has not been reported in the literature in individuals with GBA2-related disease. This variant is present in population databases (rs372699319, ExAC 0.003%). This sequence change replaces threonine with methionine at codon 358 of the GBA2 protein (p.Thr358Met). The threonine residue is moderately conserved and there is a moderate physicochemical difference between threonine and methionine.